The following is an entry in ClinVar:

ClinVar aggregate classification (germline): Benign/Likely benign. Review status: criteria provided, multiple submitters, no conflicts (2 of 4 stars). 13 submissions from 12 submitters: Benign (12); Likely benign (1). Last evaluated 2026-02-04.

Conditions:
Ehlers-Danlos syndrome, classic type, 1 (EDSCL1). Also called: Ehlers-Danlos syndrome, type 1; Ehlers-Danlos Syndrome, Classic Type, COL5A1-Related; EDS I; EHLERS-DANLOS SYNDROME, GRAVIS TYPE; EHLERS-DANLOS SYNDROME, SEVERE CLASSIC TYPE. Identifiers: MedGen C0268335, MONDO:0019567, OMIM 130000.
Fibromuscular dysplasia, multifocal. Identifiers: MedGen C5543412, MONDO:0859151, OMIM 619329.
Ehlers-Danlos syndrome (EDS). Identifiers: Orphanet 98249, MedGen C0013720, MONDO:0020066.
Familial thoracic aortic aneurysm and aortic dissection (TAAD). Also called: Thoracic aortic aneurysms and dissections. Identifiers: Orphanet 91387, MedGen C4707243, MONDO:0019625.

Allele frequency attached by ClinVar (database versions not stated): 1000 Genomes Project 0.01258; 1000 Genomes Project 30x 0.01280; TOPMed 0.02369; gnomAD 0.02493 and 0.02534; gnomAD exomes 0.02585 and 0.03233; ExAC 0.02671; ESP Exome Variant Server 0.02676.
gnomAD v4.1: 50,914 of 1,613,304 alleles (3.2%); highest among the groups gnomAD compares: Non-Finnish European, 3.7%; 938 homozygotes.

Submissions (13):

Labcorp Genetics (formerly Invitae), Labcorp
Classification: Benign for Ehlers-Danlos syndrome, classic type, 1. Last evaluated: 2026-02-04. Review status: criteria provided, single submitter. Criteria: Invitae Variant Classification Sherloc (09022015). Collection method: clinical testing. Allele origin: germline.

ARUP Laboratories, Molecular Genetics and Genomics, ARUP Laboratories
Classification: Benign. Last evaluated: 2025-07-23. Review status: criteria provided, single submitter. Criteria: ARUP Molecular Germline Variant Investigation Process 2024. Collection method: clinical testing. Allele origin: germline.

Molecular Diagnostic Laboratory for Inherited Cardiovascular Disease, Montreal Heart Institute
Classification: Benign. Last evaluated: 2025-04-09. Review status: criteria provided, single submitter. Criteria: ACMG Guidelines, 2015. Collection method: clinical testing. Allele origin: germline. Affected: no.

Blueprint Genetics
Classification: Benign. Last evaluated: 2024-11-27. Review status: criteria provided, single submitter. Criteria: ACMG Guidelines, 2015. Collection method: clinical testing. Allele origin: germline.

Genome Diagnostics Laboratory, The Hospital for Sick Children
Classification: Benign for Ehlers-Danlos syndrome. Last evaluated: 2022-07-14. Review status: criteria provided, single submitter. Criteria: ACMG Guidelines, 2015. Collection method: clinical testing. Allele origin: germline.

Genome-Nilou Lab
Classification: Benign for Ehlers-Danlos syndrome, classic type, 1. Last evaluated: 2022-03-15. Review status: criteria provided, single submitter. Criteria: ACMG Guidelines, 2015. Collection method: clinical testing. Allele origin: germline. Affected: no.

Genome-Nilou Lab
Classification: Benign for Fibromuscular dysplasia, multifocal. Last evaluated: 2022-03-15. Review status: criteria provided, single submitter. Criteria: ACMG Guidelines, 2015. Collection method: clinical testing. Allele origin: germline. Affected: no.

Mayo Clinic Laboratories, Mayo Clinic
Classification: Benign. Last evaluated: 2017-11-30. Review status: criteria provided, single submitter. Criteria: ACMG Guidelines, 2015. Collection method: clinical testing. Allele origin: germline. Observed: 407 variant alleles.

Women's Health and Genetics/Laboratory Corporation of America, LabCorp
Classification: Benign. Last evaluated: 2017-03-14. Review status: criteria provided, single submitter. Criteria: LabCorp Variant Classification Summary - May 2015. Collection method: clinical testing. Allele origin: germline.
Comment: Variant summary: The COL5A1 c.2724G>A (p.Pro908Pro) variant involves the alteration of a conserved nucleotide causing a synonymous change, which 5/5 splice prediction tools predict no significant impact on normal splicing. ESE finder predicts that this variant may alter ESE binding. The variant of interest has been observed in the large, broad control population, ExAC, with an allele frequency of 3220/120556 (1/37, 68 homozygotes), which is approximately 21368 times the estimated maximal expected allele frequency for a pathogenic COL5A1 variant (0.0000013), suggesting this variant is likely a benign polymorphism. In addition, multiple clinical diagnostic laboratories/reputable databases classified this variant as benign/likely benign. Therefore, the variant of interest has been classified as Benign.

Ambry Genetics
Classification: Benign for Familial thoracic aortic aneurysm and aortic dissection. Last evaluated: 2015-02-06. Review status: criteria provided, single submitter. Criteria: Ambry Variant Classification Scheme 2023. Collection method: clinical testing. Allele origin: germline.

GeneDx
Classification: Benign. Last evaluated: 2012-11-02. Review status: criteria provided, single submitter. Criteria: GeneDx Variant Classification (06012015). Collection method: clinical testing. Allele origin: germline. Affected: yes.
Comment: This variant is considered likely benign or benign based on one or more of the following criteria: it is a conservative change, it occurs at a poorly conserved position in the protein, it is predicted to be benign by multiple in silico algorithms, and/or has population frequency not consistent with disease.

Breakthrough Genomics
Classification: Likely benign. Review status: criteria provided, single submitter. Criteria: ACMG Guidelines, 2015. Collection method: not provided. Allele origin: germline. Inheritance: Autosomal dominant inheritance. Affected: yes.

PreventionGenetics, part of Exact Sciences
Classification: Benign. Review status: criteria provided, single submitter. Criteria: ACMG Guidelines, 2015. Collection method: clinical testing. Allele origin: germline.

NM_000093.5(COL5A1):c.2724G>A (p.Pro908=)

Gene: COL5A1 (collagen type V alpha 1 chain; plus strand). Cytogenetic location: 9q34.3.
Variant type: single nucleotide variant.
Coding change: c.2724G>A on transcript NM_000093.5 (MANE Select); coding-DNA position 2724, G replaced by A.
Protein change: p.Pro908=; no amino-acid change (proline 908 retained).
Molecular consequence: synonymous variant.
Genome position (GRCh38, 1-based): chr9:134,795,105, G>A. VCF-style: chr9-134795105-G-A. GRCh37 (hg19) VCF-style: chr9-137686951-G-A.
Other names: p.P908P:CCG>CCA; p.Pro908=; c.2724G>A, p.Pro908= (NM_001278074.1).
Identifiers: ClinVar variation 136869 (VCV000136869.39), dbSNP rs41310207, ClinGen allele CA290239.
Genomic context (GRCh38, chr9:134,795,105, plus strand): 5'-TTAGAGAGTGACTGACCAGCCCCTTCTCTGATTCTAGGGGACCCCTGGAAAGCCAGGACC[G>A]CGGGGGCAGCGAGGCCCAACGGTAACCACCCTTTCAGCTTGTGGGCATGTTTGGGAAACG-3'
Protein context (NP_000084.3, residues 898-918): GGRGTPGKPG[Pro908=]RGQRGPTGPR